The following is an entry in ClinVar:

NM_000096.4(CP):c.2565C>T (p.Leu855=)

Gene: CP (ceruloplasmin; minus strand). Cytogenetic location: 3q24.
Variant type: single nucleotide variant.
Coding change: c.2565C>T on transcript NM_000096.4 (MANE Select); coding-DNA position 2565, C replaced by T.
Protein change: p.Leu855=; no amino-acid change (leucine 855 retained).
Molecular consequence: synonymous variant. On other transcripts: non-coding transcript variant (1).
Genome position (GRCh38, 1-based): chr3:149,179,652, G>A on the plus strand (C>T on the coding strand, the complement: CP is on the minus strand). VCF-style: chr3-149179652-G-A. GRCh37 (hg19) VCF-style: chr3-148897439-G-A.
Identifiers: ClinVar variation 343754 (VCV000343754.10), dbSNP rs781672409, ClinGen allele CA2660684.
Genomic context (GRCh38, chr3:149,179,652, plus strand): 5'-AATACAAGCAGAATCCTCTGTTCCAGCTCCAGATCTTTCTGGGATTTTCCATACGTAAGT[G>A]AGAGTTTCACCTAAATTCATCAAGTGTTAATGGATCTGGTTGTATTTGGTTTATATTGTA-3'
Protein context (NP_000087.2, residues 845-865): TVTPTLPGET[Leu855=]TYVWKIPERS

ClinVar aggregate classification (germline): Conflicting classifications of pathogenicity. Review status: criteria provided, conflicting classifications (1 of 4 stars). 3 submissions from 3 submitters: Uncertain significance (1); Likely benign (1). 1 of the submissions does not count toward it. Last evaluated 2026-01-16.

Conditions:
CP-related disorder. Also called: CP-related condition.
Deficiency of ferroxidase (ACEP). Also called: Aceruloplasminemia; Deficiency of ceruloplasmin; NEURODEGENERATION WITH BRAIN IRON ACCUMULATION 10; Ceruloplasmin deficiency; Familial apoceruloplasmin deficiency; Hereditary ceruloplasmin deficiency. Identifiers: Orphanet 48818, MedGen C0878682, MONDO:0011426, OMIM 604290, HP:0025498.

Allele frequency attached by ClinVar (database versions not stated): gnomAD 0.00003 and 0.00026; ExAC 0.00005; gnomAD exomes 0.00005 and 0.00006; TOPMed 0.00034.
gnomAD v4.1: 104 of 1,612,736 alleles (0.0064%); highest among the groups gnomAD compares: Non-Finnish European, 0.0057%; 1 homozygote.

Submissions (3):

Labcorp Genetics (formerly Invitae), Labcorp
Classification: Likely benign for Deficiency of ferroxidase. Last evaluated: 2026-01-16. Review status: criteria provided, single submitter. Criteria: Invitae Variant Classification Sherloc (09022015). Collection method: clinical testing. Allele origin: germline.

Illumina Laboratory Services, Illumina
Classification: Uncertain significance for Deficiency of ferroxidase. Last evaluated: 2018-01-13. Review status: criteria provided, single submitter. Criteria: ICSL Variant Classification Criteria 13 December 2019. Collection method: clinical testing. Allele origin: germline.

PreventionGenetics, part of Exact Sciences
Classification: Likely benign for CP-related condition. Last evaluated: 2024-09-27. Review status: no assertion criteria provided. Collection method: clinical testing. Allele origin: germline. Not counted in ClinVar's aggregate classification.
Comment: This variant is classified as likely benign based on ACMG/AMP sequence variant interpretation guidelines (Richards et al. 2015 PMID: 25741868, with internal and published modifications).